The following is an entry in ClinVar:

ClinVar aggregate classification (germline): Uncertain significance. Review status: criteria provided, multiple submitters, no conflicts (2 of 4 stars). 3 submissions from 3 submitters: Uncertain significance (3). Last evaluated 2025-12-09.

Conditions:
Inborn genetic diseases. Identifiers: MedGen C0950123, MeSH D030342.
Combined immunodeficiency due to DOCK8 deficiency (HIES2). Also called: HIES autosomal recessive; HYPER-IgE SYNDROME 2, AUTOSOMAL RECESSIVE, WITH RECURRENT INFECTIONS; Hyper-IgE recurrent infection syndrome, autosomal recessive; HYPER-IgE RECURRENT INFECTION SYNDROME 2, AUTOSOMAL RECESSIVE; DOCK8 Deficiency. Identifiers: Orphanet 217390, MedGen C4722305, MONDO:0009478, OMIM 243700.

Allele frequency attached by ClinVar (database versions not stated): gnomAD exomes 0.00002 and 0.00007; ExAC 0.00002; ESP Exome Variant Server 0.00008; 1000 Genomes Project 30x 0.00016; gnomAD 0.00019 and 0.00020; TOPMed 0.00026.
gnomAD v4.1: 74 of 1,613,674 alleles (0.0046%); highest among the groups gnomAD compares: African/African-American, 0.057%; no homozygotes.

Submissions (3):

Labcorp Genetics (formerly Invitae), Labcorp
Classification: Uncertain significance for Combined immunodeficiency due to DOCK8 deficiency. Last evaluated: 2025-12-09. Review status: criteria provided, single submitter. Criteria: Invitae Variant Classification Sherloc (09022015). Collection method: clinical testing. Allele origin: germline.
Comment: This sequence change replaces isoleucine, which is neutral and non-polar, with methionine, which is neutral and non-polar, at codon 1072 of the DOCK8 protein (p.Ile1072Met). This variant is present in population databases (rs370250940, gnomAD 0.08%). This variant has not been reported in the literature in individuals affected with DOCK8-related conditions. ClinVar contains an entry for this variant (Variation ID: 626096). Invitae Evidence Modeling of protein sequence and biophysical properties (such as structural, functional, and spatial information, amino acid conservation, physicochemical variation, residue mobility, and thermodynamic stability) indicates that this missense variant is not expected to disrupt DOCK8 protein function with a negative predictive value of 80%. In summary, the available evidence is currently insufficient to determine the role of this variant in disease. Therefore, it has been classified as a Variant of Uncertain Significance.

Ambry Genetics
Classification: Uncertain significance for Inborn genetic diseases. Last evaluated: 2024-08-27. Review status: criteria provided, single submitter. Criteria: Ambry Variant Classification Scheme 2023. Collection method: clinical testing. Allele origin: germline.

Center for Genomics, Ann and Robert H. Lurie Children's Hospital of Chicago
Classification: Uncertain significance for Combined immunodeficiency due to DOCK8 deficiency. Last evaluated: 2021-03-30. Review status: criteria provided, single submitter. Criteria: ACMG Guidelines, 2015. Collection method: clinical testing. Allele origin: germline.
Comment: DOCK8 NM_203447.3 exon 26 p.Ile1072Met (c.3216C>G): This variant has not been reported in the literature but is present in 19/23984 African alleles in the Genome Aggregation Database. Evolutionary conservation and computational predictive tools for this variant are unclear. In summary, data on this variant is insufficient for disease classification. Therefore, the clinical significance of this variant is uncertain.

NM_203447.4(DOCK8):c.3216C>G (p.Ile1072Met)

Gene: DOCK8 (dedicator of cytokinesis 8; plus strand). Cytogenetic location: 9p24.3.
Variant type: single nucleotide variant.
Coding change: c.3216C>G on transcript NM_203447.4 (MANE Select); coding-DNA position 3216, C replaced by G.
Protein change: p.Ile1072Met; replaces isoleucine 1072 with methionine.
Molecular consequence: missense variant.
Genome position (GRCh38, 1-based): chr9:399,241, C>G. VCF-style: chr9-399241-C-G. GRCh37 (hg19) VCF-style: chr9-399241-C-G.
Other names: c.2916C>G, p.Ile972Met (NM_001190458.2); c.3012C>G, p.Ile1004Met (NM_001193536.2); short protein forms I1072M, I972M, I1004M.
Identifiers: ClinVar variation 626096 (VCV000626096.11), dbSNP rs370250940, ClinGen allele CA4958562.